The following is an entry in ClinVar:

NM_001379180.1(ESRRB):c.*1559A>G

Gene: ESRRB (estrogen related receptor beta; plus strand). Cytogenetic location: 14q24.3.
Variant type: single nucleotide variant.
Coding change: c.*1559A>G on transcript NM_001379180.1 (MANE Select); 1559 bases downstream of the stop codon, A replaced by G.
Molecular consequence: 3 prime UTR variant. On other transcripts: missense variant (1).
Genome position (GRCh38, 1-based): chr14:76,500,017, A>G. VCF-style: chr14-76500017-A-G. GRCh37 (hg19) VCF-style: chr14-76966360-A-G.
Other names: c.1451A>G, p.Asn484Ser (NM_004452.4); short protein forms N484S.
Identifiers: ClinVar variation 506269 (VCV000506269.6), dbSNP rs776268469, ClinGen allele CA7281907.

ClinVar aggregate classification (germline): Uncertain significance. Review status: criteria provided, multiple submitters, no conflicts (2 of 4 stars). 2 submissions from 2 submitters: Uncertain significance (2). Last evaluated 2026-01-26.

Allele frequency attached by ClinVar (database versions not stated): gnomAD exomes 0.00005 and 0.00002; ExAC 0.00007; gnomAD below 0.00001 and 0.00001.
gnomAD v4.1: 34 of 1,563,552 alleles (0.0022%); highest among the groups gnomAD compares: South Asian, 0.027%; no homozygotes.

Submissions (2):

GeneDx
Classification: Uncertain significance. Last evaluated: 2026-01-26. Review status: criteria provided, single submitter. Criteria: GeneDx Variant Classification Process June 2021. Collection method: clinical testing. Allele origin: germline.
Comment: In silico analysis suggests that this missense variant does not alter protein structure/function; Has not been previously published as pathogenic or benign to our knowledge

Laboratory for Molecular Medicine, Mass General Brigham Personalized Medicine
Classification: Uncertain significance. Last evaluated: 2018-01-25. Review status: criteria provided, single submitter. Criteria: LMM Criteria. Collection method: clinical testing. Allele origin: germline. Observed: 1 variant allele.
Comment: The p.Asn484Ser variant in ESRRB has not been previously reported in individuals with hearing loss, but has been identified in 8/23648 South Asian chromosomes b y the Genome Aggregation Database (gnomAD; dbS NP rs776268469). Although this variant has been seen in the general population, its frequency is not high enough to rule out a pathogenic role. Computational pr ediction tools and conservation analysis suggest that this variant may not impac t the protein, though this information is not predictive enough to rule out path ogenicity. In summary, the clinical significance of the p.Asn484Ser variant is u ncertain. ACMG/AMP Criteria applied: BP4.